The following is an entry in ClinVar:

NM_153676.4(USH1C):c.30del (p.His11fs)

Gene: USH1C (USH1 protein network component harmonin; minus strand). Cytogenetic location: 11p15.1.
Variant type: Deletion.
Coding change: c.30del on transcript NM_153676.4 (MANE Select); coding-DNA position 30, one base deleted (G; older notation c.30delG).
Protein change: p.His11fs; shifts the reading frame from histidine 11.
Molecular consequence: frameshift variant. On other transcripts: non-coding transcript variant (1).
Genome position (GRCh38, 1-based): chr11:17,544,278, C deleted on the plus strand (G on the coding strand, the reverse complement: USH1C is on the minus strand); the first of 2 consecutive C bases (chr11:17,544,278-17,544,279); deleting either gives the same sequence. VCF-style (leftmost placement, unchanged base first): chr11-17544277-GC-G. GRCh37 (hg19) VCF-style: chr11-17565824-GC-G.
Other names: c.30del, p.His11fs (NM_001297764.2, NM_001440680.1, NM_001440681.1 and 5 more transcripts); short protein forms H11fs.
Identifiers: ClinVar variation 5016255 (VCV005016255.1).

ClinVar aggregate classification (germline): Pathogenic (1 of 4 stars; one submission).

Conditions:
Usher syndrome type 1C. Also called: USHER SYNDROME, TYPE I, ACADIAN VARIETY. Identifiers: Orphanet 231169, Orphanet 886, MedGen C1848604, MONDO:0010171, OMIM 276904.

Submission:

Myriad Genetics, Inc.
Classification: Pathogenic for Usher syndrome type 1C. Last evaluated: 2026-08-19. Review status: criteria provided, single submitter. Criteria: Myriad Autosomal Dominant, Autosomal Recessive and X-Linked Classification Criteria (2023). Collection method: clinical testing. Allele origin: unknown.
Comment: NM_005709.3(USH1C):c.30delG(H11Ifs*6) is expected to be pathogenic in the context of USH1C-related disorders. This variant is predicted to lead to an abnormal or absent protein product due to the creation of a premature termination codon in USH1C, a gene where loss-of-function variants are known to be pathogenic. Please note: this variant was assessed in the context of healthy population screening.